The following is an entry in ClinVar:

ClinVar aggregate classification (germline): Likely pathogenic (1 of 4 stars; one submission).

Conditions:
Wilson disease (WND). Also called: Wilson's disease. Identifiers: Orphanet 905, MedGen C0019202, MONDO:0010200, OMIM 277900. Disease mechanism: loss of function.

Allele frequency attached by ClinVar (database versions not stated): gnomAD exomes below 0.00001.
gnomAD v4.1: 2 of 1,613,314 alleles (0.00012%); highest among the groups gnomAD compares: Non-Finnish European, 0.00017%; no homozygotes.

Submission:

Labcorp Genetics (formerly Invitae), Labcorp
Classification: Likely pathogenic for Wilson disease. Last evaluated: 2022-12-09. Review status: criteria provided, single submitter. Criteria: Invitae Variant Classification Sherloc (09022015). Collection method: clinical testing. Allele origin: germline.
Comment: In summary, the currently available evidence indicates that the variant is pathogenic, but additional data are needed to prove that conclusively. Therefore, this variant has been classified as Likely Pathogenic. Algorithms developed to predict the effect of sequence changes on RNA splicing suggest that this variant may disrupt the consensus splice site. Disruption of this splice site has been observed in individual(s) with Wilson disease (PMID: 23551039, 26782526). This variant is not present in population databases (gnomAD no frequency). This sequence change affects a donor splice site in intron 6 of the ATP7B gene. It is expected to disrupt RNA splicing. Variants that disrupt the donor or acceptor splice site typically lead to a loss of protein function (PMID: 16199547), and loss-of-function variants in ATP7B are known to be pathogenic (PMID: 10441329, 16283883).

Literature cited by the submitters: PubMed 23551039; PubMed 26782526; PubMed 16199547; PubMed 10441329; PubMed 16283883.

NM_000053.4(ATP7B):c.1946+1G>A

Gene: ATP7B (ATPase copper transporting beta; minus strand). Cytogenetic location: 13q14.3.
Variant type: single nucleotide variant.
Coding change: c.1946+1G>A on transcript NM_000053.4 (MANE Select); the canonical splice donor site of the intron after coding-DNA position 1946, G replaced by A.
Molecular consequence: splice donor variant. On other transcripts: intron variant (13).
Genome position (GRCh38, 1-based): chr13:51,961,836, C>T on the plus strand (G>A on the coding strand, the complement: ATP7B is on the minus strand). VCF-style: chr13-51961836-C-T. GRCh37 (hg19) VCF-style: chr13-52535972-C-T.
Other names: c.1869+3036G>A (NM_001406541.1, NM_001406531.1, NM_001406532.1 and 5 more transcripts); c.1946+1G>A (NM_001406527.1, NM_001406537.1, NM_001406521.1 and 16 more transcripts); c.1773+3036G>A (NM_001406543.1, NM_001406544.1); c.1613+1G>A (NM_001243182.2); c.1286-11675G>A (NM_001406548.1); c.1913+1G>A (NM_001406524.1, NM_001406514.1); c.1708-4229G>A (NM_001406547.1, NM_001406545.1); c.1850+1G>A (NM_001406518.1, NM_001406536.1, NM_001406530.1 and 1 more transcripts); and 1 more.
Identifiers: ClinVar variation 2137531 (VCV002137531.4), dbSNP rs2536829958, ClinGen allele CA388027239.
Genomic context (GRCh38, chr13:51,961,836, plus strand): 5'-GGCCCAGGTAGAGGAAGGGACTTAGATGAGAGCTGGAGTTTATCTTTTGTGTTCTACCTA[C>T]TGCTTTATTTCCATCTTGTGGTCCAAGTGATGAGCGTTGGGGTTTCTCTGGGCCAGGGAA-3'